The following is an entry in ClinVar:

ClinVar aggregate classification (germline): Uncertain significance (1 of 4 stars; one submission).

Submission:

Dasa
Classification: Uncertain significance. Last evaluated: 2026-03-06. Review status: criteria provided, single submitter. Criteria: DASA Assertion Criteria. Collection method: clinical testing. Allele origin: germline.
Comment: NM_021614.4(KCNN2):c.37C>G (p.Pro13Ala) is a missense variant that results in the substitution of proline with alanine. This variant is rare in population databases. The currently available literature and clinical evidence are not sufficient to establish a definitive association between this variant and the reported condition. Therefore, this variant is classified as a variant of uncertain significance.

NM_021614.4(KCNN2):c.37C>G (p.Pro13Ala)

Gene: KCNN2 (potassium calcium-activated channel subfamily N member 2; plus strand). Cytogenetic location: 5q22.3.
Variant type: single nucleotide variant.
Coding change: c.37C>G on transcript NM_021614.4 (MANE Select); coding-DNA position 37, C replaced by G.
Protein change: p.Pro13Ala; replaces proline 13 with alanine.
Molecular consequence: missense variant. On other transcripts: non-coding transcript variant (1).
Genome position (GRCh38, 1-based): chr5:114,362,176, C>G. VCF-style: chr5-114362176-C-G. GRCh37 (hg19) VCF-style: chr5-113697873-C-G.
Other names: c.235C>G, p.Pro79Ala (NM_001372233.1); short protein forms P13A, P79A.
Identifiers: ClinVar variation 4886724 (VCV004886724.2).